The following is an entry in ClinVar:

ClinVar aggregate classification (germline): Conflicting classifications of pathogenicity. Review status: criteria provided, conflicting classifications (1 of 4 stars). 2 submissions from 2 submitters: Uncertain significance (1); Likely benign (1). Last evaluated 2024-12-02.

Allele frequency attached by ClinVar (database versions not stated): gnomAD 0.00012; TOPMed 0.00013; ExAC 0.00007; gnomAD exomes 0.00014; ESP Exome Variant Server 0.00015.
gnomAD v4.1: 232 of 1,614,030 alleles (0.014%); highest among the groups gnomAD compares: Middle Eastern, 0.13%; no homozygotes.

Submissions (2):

Labcorp Genetics (formerly Invitae), Labcorp
Classification: Uncertain significance. Last evaluated: 2024-12-02. Review status: criteria provided, single submitter. Criteria: Invitae Variant Classification Sherloc (09022015). Collection method: clinical testing. Allele origin: germline.
Comment: This sequence change falls in intron 24 of the DHX37 gene. It does not directly change the encoded amino acid sequence of the DHX37 protein. It affects a nucleotide within the consensus splice site. This variant is present in population databases (rs374129932, gnomAD 0.1%). This variant has not been reported in the literature in individuals affected with DHX37-related conditions. ClinVar contains an entry for this variant (Variation ID: 2182100). Variants that disrupt the consensus splice site are a relatively common cause of aberrant splicing (PMID: 17576681, 9536098). Algorithms developed to predict the effect of sequence changes on RNA splicing suggest that this variant is not likely to affect RNA splicing. In summary, the available evidence is currently insufficient to determine the role of this variant in disease. Therefore, it has been classified as a Variant of Uncertain Significance.

CeGaT Center for Human Genetics Tuebingen
Classification: Likely benign. Last evaluated: 2024-12-01. Review status: criteria provided, single submitter. Criteria: CeGaT Center For Human Genetics Tuebingen Variant Classification Criteria Version 2. Collection method: clinical testing. Allele origin: germline. Affected: yes. Observed: 2 variant alleles.
Comment: DHX37: BP4

Literature cited by the submitters: PubMed 17576681 (cited by Labcorp Genetics (formerly Invitae), Labcorp); PubMed 9536098 (cited by Labcorp Genetics (formerly Invitae), Labcorp).

NM_032656.4(DHX37):c.3216+3A>G

Gene: DHX37 (DEAH-box helicase 37; minus strand). Cytogenetic location: 12q24.31.
Variant type: single nucleotide variant.
Coding change: c.3216+3A>G on transcript NM_032656.4 (MANE Select); 3 bases into the intron after coding-DNA position 3216, A replaced by G.
Molecular consequence: intron variant.
Genome position (GRCh38, 1-based): chr12:124,950,146, T>C on the plus strand (A>G on the coding strand, the complement: DHX37 is on the minus strand). VCF-style: chr12-124950146-T-C. GRCh37 (hg19) VCF-style: chr12-125434692-T-C.
Identifiers: ClinVar variation 2182100 (VCV002182100.28), dbSNP rs374129932, ClinGen allele CA6871318.